The following is an entry in ClinVar:

NM_001048174.2(MUTYH):c.494del (p.Val165fs)

Gene: MUTYH (mutY DNA glycosylase; minus strand). Cytogenetic location: 1p34.1.
Variant type: Deletion.
Coding change: c.494del on transcript NM_001048174.2 (MANE Select); coding-DNA position 494, one base deleted (T; older notation c.494delT).
Protein change: p.Val165fs; shifts the reading frame from valine 165.
Molecular consequence: frameshift variant. On other transcripts: non-coding transcript variant (7).
Genome position (GRCh38, 1-based): chr1:45,332,686, A deleted on the plus strand (T on the coding strand, the reverse complement: MUTYH is on the minus strand). VCF-style (leftmost placement, unchanged base first): chr1-45332685-CA-C. GRCh37 (hg19) VCF-style: chr1-45798357-CA-C.
Other names: c.494del, p.Val165fs (NM_001048171.2, NM_001048173.2, NM_001293195.2 and 6 more transcripts); c.497del, p.Val166fs (NM_001048172.2, NM_001407071.1, NM_001407078.1 and 1 more transcripts); c.578del, p.Val193fs (NM_001128425.2); c.539del, p.Val180fs (NM_001293190.2); c.527del, p.Val176fs (NM_001293191.2, NM_001407069.1, NM_001407077.1); c.218del, p.Val73fs (NM_001293192.2, NM_001293196.2, NM_001407091.1); c.149del, p.Val50fs (NM_001350650.2, NM_001350651.2, NM_001407082.1); c.410del, p.Val137fs (NM_001407075.1); and 5 more; short protein forms V137fs, V151fs, V152fs, V165fs, V166fs, V172fs, V176fs, V179fs.
Identifiers: ClinVar variation 3072661 (VCV003072661.1), dbSNP rs2524158214, ClinGen allele CA2825000968.
Genomic context (GRCh38, chr1:45,332,685, plus strand): 5'-AGGCAGGAGCTGCTGCAGGGTCTCTGCTGTACGTGGCATGTGGCCCCCTAGCTCCTCTAC[CA>C]CCTGATTGGAGTGCAAGACTCAAGATTATAAGACACCCAAGACTCCTGGGTTCCTACCCT-3'

ClinVar aggregate classification (germline): Pathogenic (1 of 4 stars; one submission).

Conditions:
Familial adenomatous polyposis 2. Also called: COLORECTAL ADENOMATOUS POLYPOSIS, AUTOSOMAL RECESSIVE; ADENOMAS, MULTIPLE COLORECTAL, AUTOSOMAL RECESSIVE; MYH-associated polyposis; MUTYH-associated polyposis; MUTYH-related attenuated familial adenomatous polyposis; MUTYH Polyposis. Identifiers: Orphanet 220460, Orphanet 247798, MedGen C3272841, MONDO:0012041, OMIM 608456.

Submission:

All of Us Research Program, National Institutes of Health
Classification: Pathogenic for Familial adenomatous polyposis 2. Last evaluated: 2023-08-15. Review status: criteria provided, single submitter. Criteria: ACMG Guidelines, 2015. Collection method: clinical testing. Allele origin: germline. Inheritance: Autosomal recessive inheritance. Observed: 1 variant allele, 1 heterozygote.
Comment: This variant deletes 1 nucleotide in exon 8 of the MUTYH gene, creating a frameshift and premature translation stop signal. This variant is expected to result in an absent or non-functional protein product. To our knowledge, this variant has not been reported in individuals affected with MUTYH-related disorders in the literature. This variant has not been identified in the general population by the Genome Aggregation Database (gnomAD). Loss of MUTYH function is a known mechanism of disease. Based on the available evidence, this variant is classified as Pathogenic.

This study involves interpretation of variants in research participants for the purpose of population health screening. Participant phenotype was not available at the time of variant classification. Additional details can be found in publication PMID: 35346344, PMCID: PMC8962531